The following is an entry in ClinVar:

ClinVar aggregate classification (germline): Conflicting classifications of pathogenicity. Review status: criteria provided, conflicting classifications (1 of 4 stars). 2 submissions from 2 submitters: Uncertain significance (1); Likely benign (1). Last evaluated 2026-05-01.

Conditions:
Inborn genetic diseases. Identifiers: MedGen C0950123, MeSH D030342.

Allele frequency attached by ClinVar (database versions not stated): TOPMed 0.00003; gnomAD 0.00007; gnomAD exomes 0.00008; ExAC 0.00012; ESP Exome Variant Server 0.00015.
gnomAD v4.1: 131 of 1,613,898 alleles (0.0081%); highest among the groups gnomAD compares: Non-Finnish European, 0.0092%; no homozygotes.

Submissions (2):

CeGaT Center for Human Genetics Tuebingen
Classification: Likely benign. Last evaluated: 2026-05-01. Review status: criteria provided, single submitter. Criteria: CeGaT Center For Human Genetics Tuebingen Variant Classification Criteria Version 2. Collection method: clinical testing. Allele origin: germline. Affected: yes. Observed: 1 variant allele.
Comment: ITSN1: BP4

Ambry Genetics
Classification: Uncertain significance for Inborn genetic diseases. Last evaluated: 2021-07-13. Review status: criteria provided, single submitter. Criteria: Ambry Variant Classification Scheme 2023. Collection method: clinical testing. Allele origin: germline.

NM_003024.3(ITSN1):c.2623G>A (p.Ala875Thr)

Gene: ITSN1 (intersectin 1; plus strand). Cytogenetic location: 21q22.11.
Variant type: single nucleotide variant.
Coding change: c.2623G>A on transcript NM_003024.3 (MANE Select); coding-DNA position 2623, G replaced by A.
Protein change: p.Ala875Thr; replaces alanine 875 with threonine.
Molecular consequence: missense variant.
Genome position (GRCh38, 1-based): chr21:33,813,968, G>A. VCF-style: chr21-33813968-G-A. GRCh37 (hg19) VCF-style: chr21-35186272-G-A.
Other names: c.2623G>A, p.Ala875Thr (NM_001001132.2, NM_001331008.2); c.2608G>A, p.Ala870Thr (NM_001331009.2, NM_001331010.2, NM_001331011.2); c.2497G>A, p.Ala833Thr (NM_001331012.2); short protein forms A833T, A870T, A875T.
Identifiers: ClinVar variation 2389172 (VCV002389172.4), dbSNP rs199689124, ClinGen allele CA10011881.
Genomic context (GRCh38, chr21:33,813,968, plus strand): 5'-TCCAGGTGGCCCACCAGCACGAATGAGAAACCAGAAACGGATAACTGGGATGCATGGGCA[G>A]CCCAGCCCTCTCTCACCGTTCCAAGTGCCGGCCAGTTAAGGCAGAGGTCCGCCTTTACTC-3'
Protein context (NP_003015.2, residues 865-885): PETDNWDAWA[Ala875Thr]QPSLTVPSAG